The following is an entry in ClinVar:

NM_000088.4(COL1A1):c.760G>A (p.Gly254Arg)

Genes: COL1A1 (collagen type I alpha 1 chain; minus strand), LOC126862586 (CDK7 strongly-dependent group 2 enhancer GRCh37_chr17:48273702-48274901; plus strand). Cytogenetic location: 17q21.33.
Variant type: single nucleotide variant.
Coding change: c.760G>A on transcript NM_000088.4 (MANE Select); coding-DNA position 760, G replaced by A.
Protein change: p.Gly254Arg; replaces glycine 254 with arginine.
Molecular consequence: missense variant.
Genome position (GRCh38, 1-based): chr17:50,197,054, C>T on the plus strand (G>A on the coding strand, the complement: COL1A1 is on the minus strand). VCF-style: chr17-50197054-C-T. GRCh37 (hg19) VCF-style: chr17-48274415-C-T.
Other names: short protein forms G254R.
Identifiers: ClinVar variation 3722888 (VCV003722888.3).
Genomic context (GRCh38, chr17:50,197,054, plus strand): 5'-CTCAAAGGTGACTCACTCTGTGTCCCTTCATTCCAGGGAGGCCAGCTGTTCCGGGCAATC[C>T]TCGAGCACCCTGGAGAGAGATGAAGAAGACAAGGAAGGGCCATTAGAACACATCACTGTG-3'
Protein context (NP_000079.2, residues 244-264): RGPPGPQGAR[Gly254Arg]LPGTAGLPGM

ClinVar aggregate classification (germline): Pathogenic. Review status: criteria provided, multiple submitters, no conflicts (2 of 4 stars). 2 submissions from 2 submitters: Pathogenic (2). Last evaluated 2024-06-24.

Conditions:
Osteogenesis imperfecta type I (OI1). Also called: OI, TYPE I; OSTEOGENESIS IMPERFECTA TARDA; OSTEOGENESIS IMPERFECTA WITH BLUE SCLERAE; Osteogenesis imperfecta type 1; Lobstein's Disease; Lobstein disease. Identifiers: Orphanet 216796, Orphanet 666, MedGen C0023931, MONDO:0008146, OMIM 166200. Disease mechanism: loss of function.

Submissions (2):

Labcorp Genetics (formerly Invitae), Labcorp
Classification: Pathogenic for Osteogenesis imperfecta type I. Last evaluated: 2024-06-24. Review status: criteria provided, single submitter. Criteria: Invitae Variant Classification Sherloc (09022015). Collection method: clinical testing. Allele origin: germline.
Comment: This sequence change replaces glycine, which is neutral and non-polar, with arginine, which is basic and polar, at codon 254 of the COL1A1 protein (p.Gly254Arg). This variant is not present in population databases (gnomAD no frequency). This missense change has been observed in individual(s) with osteogenesis imperfecta (PMID: 28981938). In at least one individual the variant was observed to be de novo. Advanced modeling of protein sequence and biophysical properties (such as structural, functional, and spatial information, amino acid conservation, physicochemical variation, residue mobility, and thermodynamic stability) performed at Invitae indicates that this missense variant is expected to disrupt COL1A1 protein function with a positive predictive value of 95%. This variant disrupts the triple helix domain of COL1A1. Glycine residues within the Gly-Xaa-Yaa repeats of the triple helix domain are required for the structure and stability of fibrillar collagens (PMID: 7695699, 8218237, 19344236). In COL1A1, variants affecting these glycine residues are significantly enriched in individuals with disease (PMID: 9016532, 17078022) compared to the general population (ExAC). For these reasons, this variant has been classified as Pathogenic.

Revvity Omics, Revvity
Classification: Pathogenic. Last evaluated: 2023-12-14. Review status: criteria provided, single submitter. Criteria: ACMG Guidelines, 2015. Collection method: clinical testing. Allele origin: germline.

Literature cited by the submitters: PubMed 28981938 (cited by Labcorp Genetics (formerly Invitae), Labcorp); PubMed 7695699 (cited by Labcorp Genetics (formerly Invitae), Labcorp); PubMed 8218237 (cited by Labcorp Genetics (formerly Invitae), Labcorp); PubMed 19344236 (cited by Labcorp Genetics (formerly Invitae), Labcorp); PubMed 9016532 (cited by Labcorp Genetics (formerly Invitae), Labcorp); PubMed 17078022 (cited by Labcorp Genetics (formerly Invitae), Labcorp).